The following is an entry in ClinVar:

ClinVar aggregate classification (germline): Conflicting classifications of pathogenicity. Review status: criteria provided, conflicting classifications (1 of 4 stars). 2 submissions from 2 submitters: Uncertain significance (1); Likely benign (1). Last evaluated 2023-03-23.

Conditions:
Hereditary cancer-predisposing syndrome. Also called: Hereditary Cancer Syndrome; Tumor predisposition; Hereditary neoplastic syndrome; Neoplastic Syndromes, Hereditary. Identifiers: Orphanet 140162, MedGen C0027672, MeSH D009386, MONDO:0015356.
Hereditary breast ovarian cancer syndrome. Also called: Hereditary breast and/or ovarian cancer syndrome; Hereditary breast and ovarian cancer syndrome; Hereditary breast and ovarian cancer syndrome (HBOC); Breast and ovarian cancer; Hereditary breast and ovarian cancer; BRCA1- and BRCA2-Associated Hereditary Breast and Ovarian Cancer. Identifiers: Orphanet 145, MedGen C0677776, MeSH D061325, MONDO:0003582. Disease mechanism: loss of function.

Submissions (2):

University of Washington Department of Laboratory Medicine, University of Washington
Classification: Likely benign for Hereditary cancer-predisposing syndrome. Last evaluated: 2023-03-23. Review status: criteria provided, single submitter. Criteria: Dines et al. (Genet Med. 2020). Collection method: curation. Allele origin: germline.
Comment: Missense variant in a coldspot region where missense variants are very unlikely to be pathogenic (PMID:31911673).

BRCA2 exon 10 coldspot. Reclassification based on statistical prior probability.

Labcorp Genetics (formerly Invitae), Labcorp
Classification: Uncertain significance for Hereditary breast ovarian cancer syndrome. Last evaluated: 2020-01-25. Review status: criteria provided, single submitter. Criteria: Invitae Variant Classification Sherloc (09022015). Collection method: clinical testing. Allele origin: germline.
Comment: In summary, the available evidence is currently insufficient to determine the role of this variant in disease. Therefore, it has been classified as a Variant of Uncertain Significance. Algorithms developed to predict the effect of missense changes on protein structure and function are either unavailable or do not agree on the potential impact of this missense change (SIFT: "Tolerated"; PolyPhen-2: "Possibly Damaging"; Align-GVGD: "Class C0"). This variant has not been reported in the literature in individuals with BRCA2-related conditions. This variant is not present in population databases (ExAC no frequency). This sequence change replaces lysine with glutamine at codon 603 of the BRCA2 protein (p.Lys603Gln). The lysine residue is weakly conserved and there is a small physicochemical difference between lysine and glutamine.

NM_000059.4(BRCA2):c.1807A>C (p.Lys603Gln)

Gene: BRCA2 (BRCA2 DNA repair associated; plus strand). Cytogenetic location: 13q13.1.
Variant type: single nucleotide variant.
Coding change: c.1807A>C on transcript NM_000059.4 (MANE Select); coding-DNA position 1807, A replaced by C.
Protein change: p.Lys603Gln; replaces lysine 603 with glutamine.
Molecular consequence: missense variant.
Genome position (GRCh38, 1-based): chr13:32,333,285, A>C. VCF-style: chr13-32333285-A-C. GRCh37 (hg19) VCF-style: chr13-32907422-A-C.
Other names: short protein forms K603Q.
Identifiers: ClinVar variation 1055127 (VCV001055127.13), dbSNP rs1555282089, ClinGen allele CA387765938.